The following is an entry in ClinVar:

ClinVar aggregate classification (germline): Uncertain significance (1 of 4 stars; one submission).

Allele frequency attached by ClinVar (database versions not stated): gnomAD exomes below 0.00001; gnomAD 0.00001.
gnomAD v4.1: 3 of 1,613,044 alleles (0.00019%); highest among the groups gnomAD compares: South Asian, 0.0022%; no homozygotes.

Submission:

CeGaT Center for Human Genetics Tuebingen
Classification: Uncertain significance. Last evaluated: 2023-06-01. Review status: criteria provided, single submitter. Criteria: CeGaT Center For Human Genetics Tuebingen Variant Classification Criteria Version 2. Collection method: clinical testing. Allele origin: germline. Affected: yes. Observed: 1 variant allele.
Comment: ANK1: PM2, PP3

NM_000037.4(ANK1):c.721A>G (p.Thr241Ala)

Gene: ANK1 (ankyrin 1; minus strand). Cytogenetic location: 8p11.21.
Variant type: single nucleotide variant.
Coding change: c.721A>G on transcript NM_000037.4 (MANE Select); coding-DNA position 721, A replaced by G.
Protein change: p.Thr241Ala; replaces threonine 241 with alanine.
Molecular consequence: missense variant.
Genome position (GRCh38, 1-based): chr8:41,723,624, T>C on the plus strand (A>G on the coding strand, the complement: ANK1 is on the minus strand). VCF-style: chr8-41723624-T-C. GRCh37 (hg19) VCF-style: chr8-41581142-T-C.
Other names: c.820A>G, p.Thr274Ala (NM_001142446.2); c.721A>G, p.Thr241Ala (NM_020475.3, NM_020476.3, NM_020477.3); short protein forms T241A, T274A.
Identifiers: ClinVar variation 2571317 (VCV002571317.27), dbSNP rs1829878470, ClinGen allele CA371043124.